The following is an entry in ClinVar:

NM_000245.4(MET):c.2133C>A (p.Thr711=)

Gene: MET (MET proto-oncogene, receptor tyrosine kinase; plus strand). Cytogenetic location: 7q31.2.
Variant type: single nucleotide variant.
Coding change: c.2133C>A on transcript NM_000245.4 (MANE Select); coding-DNA position 2133, C replaced by A.
Protein change: p.Thr711=; no amino-acid change (threonine 711 retained).
Molecular consequence: synonymous variant.
Genome position (GRCh38, 1-based): chr7:116,758,489, C>A. VCF-style: chr7-116758489-C-A. GRCh37 (hg19) VCF-style: chr7-116398543-C-A.
Other names: c.2133C>A, p.Thr711= (NM_001127500.3, NM_001324401.3); c.843C>A, p.Thr281= (NM_001324402.2).
Identifiers: ClinVar variation 697479 (VCV000697479.14), dbSNP rs747803111, ClinGen allele CA4448415.

ClinVar aggregate classification (germline): Benign/Likely benign. Review status: criteria provided, multiple submitters, no conflicts (2 of 4 stars). 3 submissions from 3 submitters: Benign (1); Likely benign (2). Last evaluated 2025-11-24.

Conditions:
Papillary renal cell carcinoma type 1 (RCCP1). Also called: RENAL CELL CARCINOMA, PAPILLARY, 1, SOMATIC; Renal adenocarcinoma; Renal cell carcinoma 1; Renal cell carcinoma, somatic. Identifiers: Orphanet 47044, MedGen C1336839, OMIM 605074, HP:0011797.
Hereditary cancer-predisposing syndrome. Also called: Hereditary Cancer Syndrome; Neoplastic Syndromes, Hereditary; Hereditary neoplastic syndrome; Tumor predisposition. Identifiers: Orphanet 140162, MedGen C0027672, MeSH D009386, MONDO:0015356.
Renal cell carcinoma. Identifiers: Orphanet 217071, MedGen C0007134, MeSH D002292, MONDO:0005086, HP:0005584.

Allele frequency attached by ClinVar (database versions not stated): TOPMed below 0.00001; gnomAD 0.00016 and 0.00017.
gnomAD v4.1: 84 of 1,612,712 alleles (0.0052%); highest among the groups gnomAD compares: Non-Finnish European, 0.00042%; no homozygotes.

Submissions (3):

Labcorp Genetics (formerly Invitae), Labcorp
Classification: Likely benign for Renal cell carcinoma. Last evaluated: 2025-11-24. Review status: criteria provided, single submitter. Criteria: Invitae Variant Classification Sherloc (09022015). Collection method: clinical testing. Allele origin: germline.

Myriad Genetics, Inc.
Classification: Benign for Papillary renal cell carcinoma type 1. Last evaluated: 2024-11-08. Review status: criteria provided, single submitter. Criteria: Myriad Autosomal Dominant, Autosomal Recessive and X-Linked Classification Criteria (2023). Collection method: clinical testing. Allele origin: unknown.
Comment: This variant is considered benign. This variant is a silent/synonymous amino acid change and it is not expected to impact splicing.

Ambry Genetics
Classification: Likely benign for Hereditary cancer-predisposing syndrome. Last evaluated: 2021-10-12. Review status: criteria provided, single submitter. Criteria: Ambry Variant Classification Scheme 2023. Collection method: clinical testing. Allele origin: germline.